The following is an entry in ClinVar:

NM_001024845.3(SLC6A9):c.458C>T (p.Thr153Met)

Gene: SLC6A9 (solute carrier family 6 member 9; minus strand). Cytogenetic location: 1p34.1.
Variant type: single nucleotide variant.
Coding change: c.458C>T on transcript NM_001024845.3 (MANE Select); coding-DNA position 458, C replaced by T.
Protein change: p.Thr153Met; replaces threonine 153 with methionine.
Molecular consequence: missense variant. On other transcripts: non-coding transcript variant (1).
Genome position (GRCh38, 1-based): chr1:44,008,485, G>A on the plus strand (C>T on the coding strand, the complement: SLC6A9 is on the minus strand). VCF-style: chr1-44008485-G-A. GRCh37 (hg19) VCF-style: chr1-44474157-G-A.
Other names: c.470C>T, p.Thr157Met (NM_001261380.2); c.125C>T, p.Thr42Met (NM_001328626.2, NM_001328630.2); c.395C>T, p.Thr132Met (NM_001328627.1); c.263C>T, p.Thr88Met (NM_001328628.1); c.458C>T, p.Thr153Met (NM_001328629.1); c.515C>T, p.Thr172Met (NM_006934.4); c.677C>T, p.Thr226Met (NM_201649.4); c.677C>T (NM_201649.2); short protein forms T157M, T88M, T153M, T172M, T42M, T132M, T226M.
Identifiers: ClinVar variation 1972426 (VCV001972426.6), dbSNP rs1007434363, ClinGen allele CA21719482.

ClinVar aggregate classification (germline): Uncertain significance. Review status: criteria provided, multiple submitters, no conflicts (2 of 4 stars). 2 submissions from 2 submitters: Uncertain significance (2). Last evaluated 2025-06-11.

Conditions:
Inborn genetic diseases. Identifiers: MedGen C0950123, MeSH D030342.
Atypical glycine encephalopathy. Also called: Glycine encephalopathy with normal serum glycine. Identifiers: Orphanet 289863, MedGen C4310943, MONDO:0015010, OMIM 617301.

Allele frequency attached by ClinVar (database versions not stated): TOPMed 0.00001.
gnomAD v4.1: 6 of 1,614,202 alleles (0.00037%); highest among the groups gnomAD compares: South Asian, 0.0022%; no homozygotes.

Submissions (2):

Ambry Genetics
Classification: Uncertain significance for Inborn genetic diseases. Last evaluated: 2025-06-11. Review status: criteria provided, single submitter. Criteria: Ambry Variant Classification Scheme 2023. Collection method: clinical testing. Allele origin: germline.

Labcorp Genetics (formerly Invitae), Labcorp
Classification: Uncertain significance for Atypical glycine encephalopathy. Last evaluated: 2022-03-04. Review status: criteria provided, single submitter. Criteria: Invitae Variant Classification Sherloc (09022015). Collection method: clinical testing. Allele origin: germline.
Comment: This sequence change replaces threonine, which is neutral and polar, with methionine, which is neutral and non-polar, at codon 226 of the SLC6A9 protein (p.Thr226Met). The frequency data for this variant in the population databases is considered unreliable, as metrics indicate poor data quality at this position in the gnomAD database. This variant has not been reported in the literature in individuals affected with SLC6A9-related conditions. Algorithms developed to predict the effect of missense changes on protein structure and function (SIFT, PolyPhen-2, Align-GVGD) all suggest that this variant is likely to be disruptive. In summary, the available evidence is currently insufficient to determine the role of this variant in disease. Therefore, it has been classified as a Variant of Uncertain Significance.